The following is an entry in ClinVar:

NM_001987.5(ETV6):c.572G>A (p.Arg191Gln)

Gene: ETV6 (ETS variant transcription factor 6; plus strand). Cytogenetic location: 12p13.2.
Variant type: single nucleotide variant.
Coding change: c.572G>A on transcript NM_001987.5 (MANE Select); coding-DNA position 572, G replaced by A.
Protein change: p.Arg191Gln; replaces arginine 191 with glutamine.
Molecular consequence: missense variant.
Genome position (GRCh38, 1-based): chr12:11,869,532, G>A. VCF-style: chr12-11869532-G-A. GRCh37 (hg19) VCF-style: chr12-12022466-G-A.
Other names: short protein forms R191Q.
Identifiers: ClinVar variation 520929 (VCV000520929.8), dbSNP rs201820837, ClinGen allele CA232607864.
Genomic context (GRCh38, chr12:11,869,532, plus strand): 5'-ATAACCCTCCCACCATTGAACTGTTGCACCGCTCCAGGTCACCTATCACGACAAATCACC[G>A]GCCTTCTCCTGACCCCGAGCAGCGGCCCCTCCGGTCCCCCCTGGACAACATGATCCGCCG-3'
Protein context (NP_001978.1, residues 181-201): RSRSPITTNH[Arg191Gln]PSPDPEQRPL

ClinVar aggregate classification (germline): Uncertain significance. Review status: criteria provided, multiple submitters, no conflicts (2 of 4 stars). 2 submissions from 2 submitters: Uncertain significance (2). Last evaluated 2025-06-06.

Conditions:
Inborn genetic diseases. Identifiers: MedGen C0950123, MeSH D030342.

Allele frequency attached by ClinVar (database versions not stated): TOPMed 0.00001.
gnomAD v4.1: 5 of 1,613,988 alleles (0.00031%); highest among the groups gnomAD compares: South Asian, 0.0055%; no homozygotes.

Submissions (2):

Labcorp Genetics (formerly Invitae), Labcorp
Classification: Uncertain significance. Last evaluated: 2025-06-06. Review status: criteria provided, single submitter. Criteria: Invitae Variant Classification Sherloc (09022015). Collection method: clinical testing. Allele origin: germline.
Comment: This sequence change replaces arginine, which is basic and polar, with glutamine, which is neutral and polar, at codon 191 of the ETV6 protein (p.Arg191Gln). This variant is present in population databases (rs201820837, gnomAD 0.01%). This variant has not been reported in the literature in individuals affected with ETV6-related conditions. ClinVar contains an entry for this variant (Variation ID: 520929). Invitae Evidence Modeling of protein sequence and biophysical properties (such as structural, functional, and spatial information, amino acid conservation, physicochemical variation, residue mobility, and thermodynamic stability) indicates that this missense variant is not expected to disrupt ETV6 protein function with a negative predictive value of 80%. In summary, the available evidence is currently insufficient to determine the role of this variant in disease. Therefore, it has been classified as a Variant of Uncertain Significance.

Ambry Genetics
Classification: Uncertain significance for Inborn genetic diseases. Last evaluated: 2024-11-26. Review status: criteria provided, single submitter. Criteria: Ambry Variant Classification Scheme 2023. Collection method: clinical testing. Allele origin: germline.
Comment: The p.R191Q variant (also known as c.572G>A), located in coding exon 5 of the ETV6 gene, results from a G to A substitution at nucleotide position 572. The arginine at codon 191 is replaced by glutamine, an amino acid with highly similar properties. This amino acid position is conserved. In addition, this alteration is predicted to be tolerated by in silico analysis. Based on the available evidence, the clinical significance of this variant remains unclear.